The following is an entry in ClinVar:

NM_001943.5(DSG2):c.2220G>C (p.Met740Ile)

Genes: DSG2 (desmoglein 2; plus strand), DSG2-AS1 (DSG2 antisense RNA 1; minus strand). Cytogenetic location: 18q12.1.
Variant type: single nucleotide variant.
Coding change: c.2220G>C on transcript NM_001943.5 (MANE Select); coding-DNA position 2220, G replaced by C.
Protein change: p.Met740Ile; replaces methionine 740 with isoleucine.
Molecular consequence: missense variant.
Genome position (GRCh38, 1-based): chr18:31,542,738, G>C. VCF-style: chr18-31542738-G-C. GRCh37 (hg19) VCF-style: chr18-29122701-G-C.
Other names: c.2220G>C (NM_001943.3); short protein forms M740I.
Identifiers: ClinVar variation 926225 (VCV000926225.4), dbSNP rs1441469842, ClinGen allele CA402142614.

ClinVar aggregate classification (germline): Conflicting classifications of pathogenicity. Review status: criteria provided, conflicting classifications (1 of 4 stars). 2 submissions from 2 submitters: Uncertain significance (1); Likely benign (1). Last evaluated 2026-03-15.

Conditions:
Cardiovascular phenotype. Identifiers: MedGen CN230736.
Cardiomyopathy (CMYO). Also called: Cardiomyopathies. Identifiers: Orphanet 167848, MedGen C0878544, MONDO:0004994, HP:0001638. Inheritance: Various modes of inheritance.

Allele frequency attached by ClinVar (database versions not stated): gnomAD exomes below 0.00001; TOPMed 0.00001.
gnomAD v4.1: 1 of 1,614,160 alleles (0.000062%); highest among the groups gnomAD compares: Non-Finnish European, 0.000085%; no homozygotes.

Submissions (2):

Ambry Genetics
Classification: Uncertain significance for Cardiovascular phenotype. Last evaluated: 2026-03-15. Review status: criteria provided, single submitter. Criteria: Ambry Variant Classification Scheme 2023. Collection method: clinical testing. Allele origin: germline.
Comment: The p.M740I variant (also known as c.2220G>C), located in coding exon 14 of the DSG2 gene, results from a G to C substitution at nucleotide position 2220. The methionine at codon 740 is replaced by isoleucine, an amino acid with highly similar properties. This amino acid position is conserved. In addition, this alteration is predicted to be tolerated by in silico analysis. Based on the available evidence, the clinical significance of this variant remains unclear.

Color Diagnostics, LLC DBA Color Health
Classification: Likely benign for Cardiomyopathy. Last evaluated: 2024-08-29. Review status: criteria provided, single submitter. Criteria: ACMG Guidelines, 2015. Collection method: clinical testing. Allele origin: germline.